The following is an entry in ClinVar:

NM_177438.3(DICER1):c.2805-16del

Gene: DICER1 (dicer 1, ribonuclease III; minus strand). Cytogenetic location: 14q32.13.
Variant type: Deletion.
Coding change: c.2805-16del on transcript NM_177438.3 (MANE Select); 16 bases into the intron before coding-DNA position 2805, one base deleted (T; older notation c.2805-16delT).
Molecular consequence: intron variant.
Genome position (GRCh38, 1-based): chr14:95,106,239, A deleted on the plus strand (T on the coding strand, the reverse complement: DICER1 is on the minus strand); the first of 7 consecutive A bases (chr14:95,106,239-95,106,245); deleting any one gives the same sequence. VCF-style (leftmost placement, unchanged base first): chr14-95106238-CA-C. GRCh37 (hg19) VCF-style: chr14-95572575-CA-C.
Other names: c.2805-16delT (NM_177438.3); c.2805-16del (NM_001291628.2, NM_030621.4, NM_001271282.3 and 1 more transcripts).
Identifiers: ClinVar variation 1590851 (VCV001590851.14), dbSNP rs1247349215, ClinGen allele CA710132363.
Genomic context (GRCh38, chr14:95,106,238, plus strand): 5'-CACATCAGCTACATAAAATCGATGAGGCTGATCAAAATTGCGATATCTAAAAAAGAAAAA[CA>C]AAAAAACAATCAGTTGCTTTTTGATTTAAATCAACTATTCTCAAAATACAACTGTTTGTA-3'

ClinVar aggregate classification (germline): Benign/Likely benign. Review status: criteria provided, multiple submitters, no conflicts (2 of 4 stars). 3 submissions from 3 submitters: Benign (2); Likely benign (1). Last evaluated 2026-08-17.

Conditions:
DICER1-related tumor predisposition. Also called: DICER1-related pleuropulmonary blastoma cancer predisposition syndrome; DICER1 syndrome. Identifiers: Orphanet 284343, MedGen C3839822, MONDO:0100216.

Submissions (3):

Myriad Genetics, Inc.
Classification: Benign for DICER1-related tumor predisposition. Last evaluated: 2026-08-17. Review status: criteria provided, single submitter. Criteria: Myriad Autosomal Dominant, Autosomal Recessive and X-Linked Classification Criteria (2023). Collection method: clinical testing. Allele origin: unknown.
Comment: This variant is considered benign. This variant is intronic and is not expected to impact mRNA splicing.

Center for Genomic Medicine, Rigshospitalet, Copenhagen University Hospital
Classification: Likely benign. Last evaluated: 2025-03-04. Review status: criteria provided, single submitter. Criteria: ACMG Guidelines, 2015. Collection method: clinical testing. Allele origin: germline.

Labcorp Genetics (formerly Invitae), Labcorp
Classification: Benign for DICER1-related tumor predisposition. Last evaluated: 2025-02-09. Review status: criteria provided, single submitter. Criteria: Invitae Variant Classification Sherloc (09022015). Collection method: clinical testing. Allele origin: germline.